The following is an entry in ClinVar:

ClinVar aggregate classification (germline): Uncertain significance. Review status: criteria provided, multiple submitters, no conflicts (2 of 4 stars). 3 submissions from 3 submitters: Uncertain significance (3). Last evaluated 2024-11-21.

Conditions:
Brown-Vialetto-van Laere syndrome 2. Also called: SPINOCEREBELLAR ATAXIA WITH BLINDNESS AND DEAFNESS 2; Riboflavin transporter deficiency type 2. Identifiers: Orphanet 572543, Orphanet 97229, MedGen C3553538, MONDO:0013867, OMIM 614707.
Inborn genetic diseases. Identifiers: MedGen C0950123, MeSH D030342.

Allele frequency attached by ClinVar (database versions not stated): gnomAD exomes 0.00001 and 0.00002; gnomAD 0.00001; ExAC 0.00001.

Submissions (3):

GeneDx
Classification: Uncertain significance. Last evaluated: 2024-11-21. Review status: criteria provided, single submitter. Criteria: GeneDx Variant Classification Process June 2021. Collection method: clinical testing. Allele origin: germline. Affected: yes.
Comment: In silico analysis supports that this missense variant has a deleterious effect on protein structure/function; Has not been previously published as pathogenic or benign to our knowledge

Labcorp Genetics (formerly Invitae), Labcorp
Classification: Uncertain significance for Brown-Vialetto-van Laere syndrome 2. Last evaluated: 2021-08-20. Review status: criteria provided, single submitter. Criteria: Invitae Variant Classification Sherloc (09022015). Collection method: clinical testing. Allele origin: germline.
Comment: The frequency data for this variant in the population databases is considered unreliable, as metrics indicate poor data quality at this position in the ExAC database. In summary, the available evidence is currently insufficient to determine the role of this variant in disease. Therefore, it has been classified as a Variant of Uncertain Significance. Algorithms developed to predict the effect of missense changes on protein structure and function (SIFT, PolyPhen-2, Align-GVGD) all suggest that this variant is likely to be disruptive. This variant has not been reported in the literature in individuals affected with SLC52A2-related conditions. This sequence change replaces glutamine with arginine at codon 298 of the SLC52A2 protein (p.Gln298Arg). The glutamine residue is highly conserved and there is a small physicochemical difference between glutamine and arginine.

Ambry Genetics
Classification: Uncertain significance for Inborn genetic diseases. Last evaluated: 2020-12-10. Review status: criteria provided, single submitter. Criteria: Ambry Variant Classification Scheme 2023. Collection method: clinical testing. Allele origin: germline.
Comment: The p.Q298R variant (also known as c.893A>G), located in coding exon 2 of the SLC52A2 gene, results from an A to G substitution at nucleotide position 893. The glutamine at codon 298 is replaced by arginine, an amino acid with highly similar properties. This amino acid position is highly conserved in available vertebrate species. In addition, this alteration is predicted to be deleterious by in silico analysis. Since supporting evidence is limited at this time, the clinical significance of this alteration remains unclear.

NM_001363118.2(SLC52A2):c.893A>G (p.Gln298Arg)

Gene: SLC52A2 (solute carrier family 52 member 2; plus strand). Cytogenetic location: 8q24.3.
Variant type: single nucleotide variant.
Coding change: c.893A>G on transcript NM_001363118.2 (MANE Select); coding-DNA position 893, A replaced by G.
Protein change: p.Gln298Arg; replaces glutamine 298 with arginine.
Molecular consequence: missense variant. On other transcripts: non-coding transcript variant (1).
Genome position (GRCh38, 1-based): chr8:144,360,385, A>G. VCF-style: chr8-144360385-A-G. GRCh37 (hg19) VCF-style: chr8-145584045-A-G.
Other names: c.893A>G, p.Gln298Arg (NM_001253815.2, NM_001253816.2, NM_001363120.2 and 2 more transcripts); c.401A>G, p.Gln134Arg (NM_001363122.2); short protein forms Q298R, Q134R.
Identifiers: ClinVar variation 860801 (VCV000860801.8), dbSNP rs782673955, ClinGen allele CA4938305.